The following is an entry in ClinVar:

NM_182758.4(WDR72):c.363G>A (p.Met121Ile)

Gene: WDR72 (WD repeat domain 72; minus strand). Cytogenetic location: 15q21.3.
Variant type: single nucleotide variant.
Coding change: c.363G>A on transcript NM_182758.4 (MANE Select); coding-DNA position 363, G replaced by A.
Protein change: p.Met121Ile; replaces methionine 121 with isoleucine.
Molecular consequence: missense variant. On other transcripts: non-coding transcript variant (1).
Genome position (GRCh38, 1-based): chr15:53,715,344, C>T on the plus strand (G>A on the coding strand, the complement: WDR72 is on the minus strand). VCF-style: chr15-53715344-C-T. GRCh37 (hg19) VCF-style: chr15-54007541-C-T.
Other names: short protein forms M121I.
Identifiers: ClinVar variation 884816 (VCV000884816.7), dbSNP rs140373011, ClinGen allele CA7571436.

ClinVar aggregate classification (germline): Uncertain significance. Review status: criteria provided, multiple submitters, no conflicts (2 of 4 stars). 3 submissions from 3 submitters: Uncertain significance (2). 1 of the submissions does not count toward it. Last evaluated 2018-01-12.

Conditions:
WDR72-related disorder. Also called: WDR72-related condition.
Amelogenesis imperfecta hypomaturation type 2A3. Also called: Amelogenesis imperfecta, type IIA3. Identifiers: Orphanet 88661, MedGen C2750771, MONDO:0013181, OMIM 613211. Disease mechanism: loss of function.

Allele frequency attached by ClinVar (database versions not stated): gnomAD exomes 0.00017 and 0.00070; gnomAD 0.00019 and 0.00029; TOPMed 0.00035; ExAC 0.00067; 1000 Genomes Project 30x 0.00250; 1000 Genomes Project 0.00280.

Submissions (3):

Illumina Laboratory Services, Illumina
Classification: Uncertain significance for Amelogenesis imperfecta hypomaturation type 2A3. Last evaluated: 2018-01-12. Review status: criteria provided, single submitter. Criteria: ICSL Variant Classification Criteria 13 December 2019. Collection method: clinical testing. Allele origin: germline.

Breakthrough Genomics
Classification: Uncertain significance. Review status: criteria provided, single submitter. Criteria: ACMG Guidelines, 2015. Collection method: not provided. Allele origin: germline. Inheritance: Autosomal recessive inheritance. Affected: yes.

PreventionGenetics, part of Exact Sciences
Classification: Likely benign for WDR72-related condition. Last evaluated: 2019-12-06. Review status: no assertion criteria provided. Collection method: clinical testing. Allele origin: germline. Not counted in ClinVar's aggregate classification.
Comment: This variant is classified as likely benign based on ACMG/AMP sequence variant interpretation guidelines (Richards et al. 2015 PMID: 25741868, with internal and published modifications).